The following is an entry in ClinVar:

ClinVar aggregate classification (germline): Uncertain significance. Review status: criteria provided, multiple submitters, no conflicts (2 of 4 stars). 2 submissions from 2 submitters: Uncertain significance (2). Last evaluated 2025-04-21.

Conditions:
Epidermodysplasia verruciformis. Identifiers: Orphanet 302, MedGen C0014522, MONDO:0009176.
Inborn genetic diseases. Identifiers: MedGen C0950123, MeSH D030342.

Allele frequency attached by ClinVar (database versions not stated): gnomAD exomes 0.00006 and 0.00002; gnomAD 0.00010 and 0.00011; ESP Exome Variant Server 0.00015; ExAC 0.00011; 1000 Genomes Project 0.00020; 1000 Genomes Project 30x 0.00016; TOPMed 0.00014.
gnomAD v4.1: 49 of 1,604,312 alleles (0.0031%); highest among the groups gnomAD compares: African/African-American, 0.029%; no homozygotes.

Submissions (2):

Ambry Genetics
Classification: Uncertain significance for Inborn genetic diseases. Last evaluated: 2025-04-21. Review status: criteria provided, single submitter. Criteria: Ambry Variant Classification Scheme 2023. Collection method: clinical testing. Allele origin: germline.

Labcorp Genetics (formerly Invitae), Labcorp
Classification: Uncertain significance for Epidermodysplasia verruciformis. Last evaluated: 2024-01-03. Review status: criteria provided, single submitter. Criteria: Invitae Variant Classification Sherloc (09022015). Collection method: clinical testing. Allele origin: germline.
Comment: This sequence change replaces arginine, which is basic and polar, with cysteine, which is neutral and slightly polar, at codon 640 of the TMC6 protein (p.Arg640Cys). This variant is present in population databases (rs372881492, gnomAD 0.03%). This variant has not been reported in the literature in individuals affected with TMC6-related conditions. ClinVar contains an entry for this variant (Variation ID: 861885). An algorithm developed to predict the effect of missense changes on protein structure and function (PolyPhen-2) suggests that this variant is likely to be disruptive. In summary, the available evidence is currently insufficient to determine the role of this variant in disease. Therefore, it has been classified as a Variant of Uncertain Significance.

NM_001127198.5(TMC6):c.1918C>T (p.Arg640Cys)

Gene: TMC6 (transmembrane channel like 6; minus strand). Cytogenetic location: 17q25.3.
Variant type: single nucleotide variant.
Coding change: c.1918C>T on transcript NM_001127198.5 (MANE Select); coding-DNA position 1918, C replaced by T.
Protein change: p.Arg640Cys; replaces arginine 640 with cysteine.
Molecular consequence: missense variant.
Genome position (GRCh38, 1-based): chr17:78,117,905, G>A on the plus strand (C>T on the coding strand, the complement: TMC6 is on the minus strand). VCF-style: chr17-78117905-G-A. GRCh37 (hg19) VCF-style: chr17-76113986-G-A.
Other names: c.1918C>T, p.Arg640Cys (NM_001321185.1, NM_001374596.1, NM_001375353.1 and 2 more transcripts); c.1738C>T, p.Arg580Cys (NM_001374593.1, NM_001374594.1); c.1918C>T (NM_007267.6); short protein forms R580C, R640C.
Identifiers: ClinVar variation 861885 (VCV000861885.8), dbSNP rs372881492, ClinGen allele CA8795496.